The following is an entry in ClinVar:

NM_153252.5(BRWD3):c.4211A>G (p.Tyr1404Cys)

Gene: BRWD3 (bromodomain and WD repeat domain containing 3; minus strand). Cytogenetic location: Xq21.1.
Variant type: single nucleotide variant.
Coding change: c.4211A>G on transcript NM_153252.5 (MANE Select); coding-DNA position 4211, A replaced by G.
Protein change: p.Tyr1404Cys; replaces tyrosine 1404 with cysteine.
Molecular consequence: missense variant.
Genome position (GRCh38, 1-based): chrX:80,684,032, T>C on the plus strand (A>G on the coding strand, the complement: BRWD3 is on the minus strand). VCF-style: chrX-80684032-T-C. GRCh37 (hg19) VCF-style: chrX-79939531-T-C.
Other names: short protein forms Y1404C.
Identifiers: ClinVar variation 1344994 (VCV001344994.2), dbSNP rs2147678381, ClinGen allele CA413610410.
Genomic context (GRCh38, chrX:80,684,032, plus strand): 5'-GAAAACTGCCTGATAATTAACCCAACTAATAATCATACCCTTGACTTTTTATTAGAGGTA[T>C]AAGCTTTGGAGTTGTTGAATATTTGGCGAACATCCTTATAAAATTCCAGAGGACTACCAT-3'
Protein context (NP_694984.5, residues 1394-1414): VRQIFNNSKA[Tyr1404Cys]TSNKKSRIYS

ClinVar aggregate classification (germline): Uncertain significance (1 of 4 stars; one submission).

gnomAD v4.1: 1 of 1,208,749 alleles (0.000083%); highest among the groups gnomAD compares: Non-Finnish European, 0.00011%; no homozygotes.

Submission:

GeneDx
Classification: Uncertain significance. Last evaluated: 2021-09-17. Review status: criteria provided, single submitter. Criteria: GeneDx Variant Classification Process June 2021. Collection method: clinical testing. Allele origin: germline. Affected: yes.
Comment: Not observed at significant frequency in large population cohorts (gnomAD); In silico analysis supports that this missense variant has a deleterious effect on protein structure/function; Has not been previously published as pathogenic or benign to our knowledge